The following is an entry in ClinVar:

ClinVar aggregate classification (germline): Likely benign. Review status: criteria provided, multiple submitters, no conflicts (2 of 4 stars). 4 submissions from 4 submitters: Likely benign (2). 2 of the submissions do not count toward it. Last evaluated 2026-01-11.

Conditions:
Cerebral creatine deficiency syndrome. Also called: Creatine deficiency syndromes. Identifiers: Orphanet 79172, MedGen C5244016, MONDO:0000456.

Allele frequency attached by ClinVar (database versions not stated): ExAC 0.00001; gnomAD 0.00002; gnomAD exomes 0.00003; TOPMed 0.00003.

Submissions (4):

Labcorp Genetics (formerly Invitae), Labcorp
Classification: Likely benign for Cerebral creatine deficiency syndrome. Last evaluated: 2026-01-11. Review status: criteria provided, single submitter. Criteria: Invitae Variant Classification Sherloc (09022015). Collection method: clinical testing. Allele origin: germline.

GeneDx
Classification: Likely benign. Last evaluated: 2017-03-01. Review status: criteria provided, single submitter. Criteria: GeneDx Variant Classification (06012015). Collection method: clinical testing. Allele origin: germline. Affected: yes.
Comment: This variant is considered likely benign or benign based on one or more of the following criteria: it is a conservative change, it occurs at a poorly conserved position in the protein, it is predicted to be benign by multiple in silico algorithms, and/or has population frequency not consistent with disease.

Clinical Genetics DNA and cytogenetics Diagnostics Lab, Erasmus MC, Erasmus Medical Center
Classification: Likely benign. Review status: no assertion criteria provided. Collection method: clinical testing. Allele origin: germline. Affected: yes. Study: VKGL Data-share Consensus. Not counted in ClinVar's aggregate classification.

Genome Diagnostics Laboratory, University Medical Center Utrecht
Classification: Likely benign. Review status: no assertion criteria provided. Collection method: clinical testing. Allele origin: germline. Affected: yes. Study: VKGL Data-share Consensus. Not counted in ClinVar's aggregate classification.

NM_000156.6(GAMT):c.642G>A (p.Leu214=)

Gene: GAMT (guanidinoacetate N-methyltransferase; minus strand). Cytogenetic location: 19p13.3.
Variant type: single nucleotide variant.
Coding change: c.642G>A on transcript NM_000156.6 (MANE Select); coding-DNA position 642, G replaced by A.
Protein change: p.Leu214=; no amino-acid change (leucine 214 retained).
Molecular consequence: synonymous variant.
Genome position (GRCh38, 1-based): chr19:1,397,428, C>T on the plus strand (G>A on the coding strand, the complement: GAMT is on the minus strand). VCF-style: chr19-1397428-C-T. GRCh37 (hg19) VCF-style: chr19-1397427-C-T.
Identifiers: ClinVar variation 516284 (VCV000516284.12), dbSNP rs746723263, ClinGen allele CA9043544.
Genomic context (GRCh38, chr19:1,397,428, plus strand): 5'-GGTCACCAGGGGCGTGATCATCTGTGGGAAGGCGTAGTAGCGGCAGTCGGCCGGTGGGAC[C>T]AGCGCCATCACCTCCGTACGGATGTTCTCCCTCCGGAAGCCGGCCTCCAGCAGCGCGGGC-3'
Protein context (NP_000147.1, residues 204-224): RENIRTEVMA[Leu214=]VPPADCRYYA